The following is an entry in ClinVar:

ClinVar aggregate classification (germline): Likely benign (1 of 4 stars; one submission).

Conditions:
SDHD-related disorder. Also called: SDHD-related condition.

gnomAD v4.1: 13 of 369,638 alleles (0.0035%); highest among the groups gnomAD compares: East Asian, 0.013%; no homozygotes.

Submission:

PreventionGenetics, part of Exact Sciences
Classification: Likely benign for SDHD-related condition. Last evaluated: 2025-02-07. Review status: criteria provided, single submitter. Criteria: ACMG Guidelines, 2015. Collection method: clinical testing. Allele origin: germline.
Comment: This variant is classified as likely benign based on ACMG/AMP sequence variant interpretation guidelines (Richards et al. 2015 PMID: 25741868, with internal and published modifications).

NM_003002.4(SDHD):c.315-1692C>T

Gene: SDHD (succinate dehydrogenase complex subunit D; plus strand). Cytogenetic location: 11q23.1.
Variant type: single nucleotide variant.
Coding change: c.315-1692C>T on transcript NM_003002.4 (MANE Select); 1692 bases into the intron before coding-DNA position 315, C replaced by T.
Molecular consequence: intron variant. On other transcripts: synonymous variant (1).
Genome position (GRCh38, 1-based): chr11:112,093,113, C>T. VCF-style: chr11-112093113-C-T. GRCh37 (hg19) VCF-style: chr11-111963837-C-T.
Other names: c.348C>T, p.His116= (NM_001276506.2); c.170-1692C>T (NM_001276503.2); c.198-1692C>T (NM_001276504.2).
Identifiers: ClinVar variation 4980019 (VCV004980019.1).